The following is an entry in ClinVar:

NM_000553.6(WRN):c.1171T>C (p.Cys391Arg)

Gene: WRN (WRN RecQ like helicase; plus strand). Cytogenetic location: 8p12.
Variant type: single nucleotide variant.
Coding change: c.1171T>C on transcript NM_000553.6 (MANE Select); coding-DNA position 1171, T replaced by C.
Protein change: p.Cys391Arg; replaces cysteine 391 with arginine.
Molecular consequence: missense variant.
Genome position (GRCh38, 1-based): chr8:31,081,198, T>C. VCF-style: chr8-31081198-T-C. GRCh37 (hg19) VCF-style: chr8-30938714-T-C.
Other names: short protein forms C391R.
Identifiers: ClinVar variation 2194010 (VCV002194010.4), dbSNP rs1060500062, ClinGen allele CA370921084.

ClinVar aggregate classification (germline): Uncertain significance (1 of 4 stars; one submission).

Conditions:
Werner syndrome (WRN). Identifiers: Orphanet 902, MedGen C0043119, MONDO:0010196, OMIM 277700.

Submission:

Labcorp Genetics (formerly Invitae), Labcorp
Classification: Uncertain significance for Werner syndrome. Last evaluated: 2023-01-07. Review status: criteria provided, single submitter. Criteria: Invitae Variant Classification Sherloc (09022015). Collection method: clinical testing. Allele origin: germline.
Comment: In summary, the available evidence is currently insufficient to determine the role of this variant in disease. Therefore, it has been classified as a Variant of Uncertain Significance. Algorithms developed to predict the effect of missense changes on protein structure and function are either unavailable or do not agree on the potential impact of this missense change (SIFT: "Not Available"; PolyPhen-2: "Possibly Damaging"; Align-GVGD: "Not Available"). This variant has not been reported in the literature in individuals affected with WRN-related conditions. This variant is not present in population databases (gnomAD no frequency). This sequence change replaces cysteine, which is neutral and slightly polar, with arginine, which is basic and polar, at codon 391 of the WRN protein (p.Cys391Arg).